The following is an entry in ClinVar:

ClinVar aggregate classification (germline): Uncertain significance (1 of 4 stars; one submission).

Conditions:
Facioscapulohumeral muscular dystrophy 2 (FSHD2). Also called: FACIOSCAPULOHUMERAL MUSCULAR DYSTROPHY 2, DIGENIC; FSHD2, DIGENIC; MUSCULAR DYSTROPHY, FACIOSCAPULOHUMERAL, TYPE 1B. Identifiers: Orphanet 269, MedGen C1834671, MONDO:0008031, OMIM 158901.

Submission:

Labcorp Genetics (formerly Invitae), Labcorp
Classification: Uncertain significance for Facioscapulohumeral muscular dystrophy 2. Last evaluated: 2024-11-13. Review status: criteria provided, single submitter. Criteria: Invitae Variant Classification Sherloc (09022015). Collection method: clinical testing. Allele origin: germline.
Comment: This sequence change replaces alanine, which is neutral and non-polar, with valine, which is neutral and non-polar, at codon 1893 of the SMCHD1 protein (p.Ala1893Val). This variant is present in population databases (rs745859698, gnomAD 0.006%). This variant has not been reported in the literature in individuals affected with SMCHD1-related conditions. Invitae Evidence Modeling of protein sequence and biophysical properties (such as structural, functional, and spatial information, amino acid conservation, physicochemical variation, residue mobility, and thermodynamic stability) has been performed for this missense variant. However, the output from this modeling did not meet the statistical confidence thresholds required to predict the impact of this variant on SMCHD1 protein function. In summary, the available evidence is currently insufficient to determine the role of this variant in disease. Therefore, it has been classified as a Variant of Uncertain Significance.

NM_015295.3(SMCHD1):c.5678C>T (p.Ala1893Val)

Gene: SMCHD1 (structural maintenance of chromosomes flexible hinge domain containing 1; plus strand). Cytogenetic location: 18p11.32.
Variant type: single nucleotide variant.
Coding change: c.5678C>T on transcript NM_015295.3 (MANE Select); coding-DNA position 5678, C replaced by T.
Protein change: p.Ala1893Val; replaces alanine 1893 with valine.
Molecular consequence: missense variant.
Genome position (GRCh38, 1-based): chr18:2,784,580, C>T. VCF-style: chr18-2784580-C-T. GRCh37 (hg19) VCF-style: chr18-2784578-C-T.
Other names: short protein forms A1893V.
Identifiers: ClinVar variation 3614201 (VCV003614201.2).